The following is an entry in ClinVar:

ClinVar aggregate classification (germline): Conflicting classifications of pathogenicity. Review status: criteria provided, conflicting classifications (1 of 4 stars). 7 submissions from 7 submitters: Uncertain significance (2); Likely benign (2). 3 of the submissions do not count toward it. Last evaluated 2026-01-12.

Conditions:
Cardiovascular phenotype. Identifiers: MedGen CN230736.
Duchenne muscular dystrophy (DMD). Also called: Duchenne Muscular Dystrophy (DMD); MUSCULAR DYSTROPHY, PSEUDOHYPERTROPHIC PROGRESSIVE, DUCHENNE TYPE. Identifiers: Orphanet 98896, MedGen C0013264, MONDO:0010679, OMIM 310200.

Allele frequency attached by ClinVar (database versions not stated): ExAC 0.00005; gnomAD 0.00005; TOPMed 0.00014.
gnomAD v4.1: 73 of 1,209,540 alleles (0.006%); highest among the groups gnomAD compares: Non-Finnish European, 0.0075%; no homozygotes.

Submissions (7):

Labcorp Genetics (formerly Invitae), Labcorp
Classification: Likely benign for Duchenne muscular dystrophy. Last evaluated: 2026-01-12. Review status: criteria provided, single submitter. Criteria: Invitae Variant Classification Sherloc (09022015). Collection method: clinical testing. Allele origin: germline.

Ambry Genetics
Classification: Uncertain significance for Cardiovascular phenotype. Last evaluated: 2023-09-20. Review status: criteria provided, single submitter. Criteria: Ambry Variant Classification Scheme 2023. Collection method: clinical testing. Allele origin: germline.
Comment: The p.R145Q variant (also known as c.434G>A), located in coding exon 6 of the DMD gene, results from a G to A substitution at nucleotide position 434. The arginine at codon 145 is replaced by glutamine, an amino acid with highly similar properties. This variant (referred to as p.R141Q, c.422G>A) has been detected in a dilated cardiomyopathy cohort; however, details were limited (Haas J et al. Eur. Heart J., 2015 May;36:1123-35a). Based on data from gnomAD, the A allele has an overall frequency of approximately 0.005% (10/205291) total alleles studied, including 3 hemizygotes. The highest observed frequency was 0.01% (3/28037) of Latino alleles. This amino acid position is highly conserved in available vertebrate species. In addition, this alteration is predicted to be deleterious by in silico analysis. Since supporting evidence is limited at this time, the clinical significance of this alteration remains unclear.

GeneDx
Classification: Likely benign. Last evaluated: 2019-04-12. Review status: criteria provided, single submitter. Criteria: GeneDx Variant Classification Process June 2021. Collection method: clinical testing. Allele origin: germline. Affected: yes.
Comment: This variant is associated with the following publications: (PMID: 30564623, 25163546)

Eurofins Ntd Llc (ga)
Classification: Uncertain significance. Last evaluated: 2015-12-17. Review status: criteria provided, single submitter. Criteria: EGL Classification Definitions 2015. Collection method: clinical testing. Allele origin: germline. Observed: 1 variant allele, 1 hemizygote.

Clinical Genetics DNA and cytogenetics Diagnostics Lab, Erasmus MC, Erasmus Medical Center
Classification: Uncertain significance. Review status: no assertion criteria provided. Collection method: clinical testing. Allele origin: germline. Affected: yes. Study: VKGL Data-share Consensus. Not counted in ClinVar's aggregate classification.

Diagnostic Laboratory, Department of Genetics, University Medical Center Groningen
Classification: Uncertain significance. Review status: no assertion criteria provided. Collection method: clinical testing. Allele origin: germline. Affected: yes. Study: VKGL Data-share Consensus. Not counted in ClinVar's aggregate classification.

Laboratory of Diagnostic Genome Analysis, Leiden University Medical Center (LUMC)
Classification: Uncertain significance. Review status: no assertion criteria provided. Collection method: clinical testing. Allele origin: germline. Affected: yes. Study: VKGL Data-share Consensus. Not counted in ClinVar's aggregate classification.

Literature cited by the submitters: PubMed 25163546 (cited by Ambry Genetics); PubMed 26911353 (cited by Ambry Genetics).

NM_004006.3(DMD):c.434G>A (p.Arg145Gln)

Gene: DMD (dystrophin; minus strand). Cytogenetic location: Xp21.1.
Variant type: single nucleotide variant.
Coding change: c.434G>A on transcript NM_004006.3 (MANE Select); coding-DNA position 434, G replaced by A.
Protein change: p.Arg145Gln; replaces arginine 145 with glutamine.
Molecular consequence: missense variant.
Genome position (GRCh38, 1-based): chrX:32,816,564, C>T on the plus strand (G>A on the coding strand, the complement: DMD is on the minus strand). VCF-style: chrX-32816564-C-T. GRCh37 (hg19) VCF-style: chrX-32834681-C-T.
Other names: c.410G>A, p.Arg137Gln (NM_000109.4); c.422G>A, p.Arg141Gln (NM_004009.3); c.65G>A, p.Arg22Gln (NM_004010.3); short protein forms R145Q, R141Q, R137Q, R22Q.
Identifiers: ClinVar variation 285293 (VCV000285293.20), dbSNP rs398123952, ClinGen allele CA10380158.